The following is an entry in ClinVar:

NM_000535.7(PMS2):c.266C>T (p.Thr89Ile)

Gene: PMS2 (PMS1 homolog 2, mismatch repair system component; minus strand). Cytogenetic location: 7p22.1.
Variant type: single nucleotide variant.
Coding change: c.266C>T on transcript NM_000535.7 (MANE Select); coding-DNA position 266, C replaced by T.
Protein change: p.Thr89Ile; replaces threonine 89 with isoleucine.
Molecular consequence: missense variant. On other transcripts: 5 prime UTR variant (9), non-coding transcript variant (1), intron variant (2).
Genome position (GRCh38, 1-based): chr7:6,003,777, G>A on the plus strand (C>T on the coding strand, the complement: PMS2 is on the minus strand). VCF-style: chr7-6003777-G-A. GRCh37 (hg19) VCF-style: chr7-6043408-G-A.
Other names: c.266C>T (NM_000535.5); c.-140C>T (NM_001322003.2, NM_001322004.2, NM_001322005.2 and 3 more transcripts); c.266C>T, p.Thr89Ile (NM_001322006.2, NM_001322014.2); c.-619C>T (NM_001322011.2, NM_001322012.2); c.-219C>T (NM_001322015.2); c.35+195C>T (NM_001322008.2, NM_001322007.2); short protein forms T89I.
Identifiers: ClinVar variation 1480318 (VCV001480318.10), dbSNP rs1275124814, ClinGen allele CA366744699.
Genomic context (GRCh38, chr7:6,003,777, plus strand): 5'-TCCCCCCGAAAGCCAAAAGTTTCAACCTGAGTTAGGTCGGCAAACTCTTGAATCTTAGAT[G>A]TGTGATGTTTCAGAGCTGAAAGAGAGTGTAAAGTAAGGACTAAGATATCTCAAGTGCTAT-3'
Protein context (NP_000526.2, residues 79-99): NFEGLTLKHH[Thr89Ile]SKIQEFADLT

ClinVar aggregate classification (germline): Uncertain significance. Review status: criteria provided, multiple submitters, no conflicts (2 of 4 stars). 2 submissions from 2 submitters: Uncertain significance (2). Last evaluated 2025-11-15.

Conditions:
Hereditary cancer-predisposing syndrome. Also called: Tumor predisposition; Hereditary Cancer Syndrome; Hereditary neoplastic syndrome; Neoplastic Syndromes, Hereditary. Identifiers: Orphanet 140162, MedGen C0027672, MeSH D009386, MONDO:0015356.
Hereditary nonpolyposis colorectal neoplasms. Identifiers: MedGen C0009405, MeSH D003123.

Allele frequency attached by ClinVar (database versions not stated): gnomAD exomes below 0.00001.
gnomAD v4.1: 3 of 1,604,540 alleles (0.00019%); highest among the groups gnomAD compares: Non-Finnish European, 0.00025%; no homozygotes.

Submissions (2):

Ambry Genetics
Classification: Uncertain significance for Hereditary cancer-predisposing syndrome. Last evaluated: 2025-11-15. Review status: criteria provided, single submitter. Criteria: Ambry Variant Classification Scheme 2023. Collection method: clinical testing. Allele origin: germline.
Comment: The p.T89I variant (also known as c.266C>T), located in coding exon 4 of the PMS2 gene, results from a C to T substitution at nucleotide position 266. The threonine at codon 89 is replaced by isoleucine, an amino acid with similar properties. This amino acid position is conserved. In addition, this alteration is predicted to be deleterious by in silico analysis. Based on the available evidence, the clinical significance of this variant remains unclear.

Labcorp Genetics (formerly Invitae), Labcorp
Classification: Uncertain significance for Hereditary nonpolyposis colorectal neoplasms. Last evaluated: 2023-12-31. Review status: criteria provided, single submitter. Criteria: Invitae Variant Classification Sherloc (09022015). Collection method: clinical testing. Allele origin: germline.
Comment: This sequence change replaces threonine, which is neutral and polar, with isoleucine, which is neutral and non-polar, at codon 89 of the PMS2 protein (p.Thr89Ile). This variant is present in population databases (no rsID available, gnomAD 0.003%). This variant has not been reported in the literature in individuals affected with PMS2-related conditions. ClinVar contains an entry for this variant (Variation ID: 1480318). Advanced modeling of protein sequence and biophysical properties (such as structural, functional, and spatial information, amino acid conservation, physicochemical variation, residue mobility, and thermodynamic stability) performed at Invitae indicates that this missense variant is expected to disrupt PMS2 protein function with a positive predictive value of 80%. In summary, the available evidence is currently insufficient to determine the role of this variant in disease. Therefore, it has been classified as a Variant of Uncertain Significance.